The following is an entry in ClinVar:

ClinVar aggregate classification (germline): Conflicting classifications of pathogenicity. Review status: criteria provided, conflicting classifications (1 of 4 stars). 4 submissions from 4 submitters: Uncertain significance (3); Likely benign (1). Last evaluated 2025-08-19.

Conditions:
Hereditary cancer-predisposing syndrome. Also called: Hereditary neoplastic syndrome; Hereditary Cancer Syndrome; Neoplastic Syndromes, Hereditary; Tumor predisposition. Identifiers: Orphanet 140162, MedGen C0027672, MeSH D009386, MONDO:0015356.
Familial adenomatous polyposis 2. Also called: MYH-associated polyposis; COLORECTAL ADENOMATOUS POLYPOSIS, AUTOSOMAL RECESSIVE; ADENOMAS, MULTIPLE COLORECTAL, AUTOSOMAL RECESSIVE; MUTYH-related attenuated familial adenomatous polyposis; Adenomas, multiple colorectal; FAP type 2. Identifiers: Orphanet 220460, Orphanet 247798, MedGen C3272841, MONDO:0012041, OMIM 608456.

Allele frequency attached by ClinVar (database versions not stated): gnomAD exomes below 0.00001.
gnomAD v4.1: 2 of 1,614,078 alleles (0.00012%); highest among the groups gnomAD compares: South Asian, 0.0022%; no homozygotes.

Submissions (4):

Ambry Genetics
Classification: Likely benign for Hereditary cancer-predisposing syndrome. Last evaluated: 2025-08-19. Review status: criteria provided, single submitter. Criteria: Ambry Variant Classification Scheme 2023. Collection method: clinical testing. Allele origin: germline.

Color Diagnostics, LLC DBA Color Health
Classification: Uncertain significance for Hereditary cancer-predisposing syndrome. Last evaluated: 2023-12-04. Review status: criteria provided, single submitter. Criteria: ACMG Guidelines, 2015. Collection method: clinical testing. Allele origin: germline.
Comment: This missense variant replaces lysine with methionine at codon 365 of the MUTYH protein. Computational prediction suggests that this variant may not impact protein structure and function (internally defined REVEL score threshold <= 0.5, PMID: 27666373). To our knowledge, functional studies have not been reported for this variant. This variant has not been reported in individuals affected with MUTYH-related disorders in the literature. This variant has not been identified in the general population by the Genome Aggregation Database (gnomAD). The available evidence is insufficient to determine the role of this variant in disease conclusively. Therefore, this variant is classified as a Variant of Uncertain Significance.

Women's Health and Genetics/Laboratory Corporation of America, LabCorp
Classification: Uncertain significance. Last evaluated: 2022-09-08. Review status: criteria provided, single submitter. Criteria: LabCorp Variant Classification Summary - May 2015. Collection method: clinical testing. Allele origin: germline.

Labcorp Genetics (formerly Invitae), Labcorp
Classification: Uncertain significance for Familial adenomatous polyposis 2. Last evaluated: 2019-04-24. Review status: criteria provided, single submitter. Criteria: Invitae Variant Classification Sherloc (09022015). Collection method: clinical testing. Allele origin: germline.
Comment: This sequence change replaces lysine with methionine at codon 365 of the MUTYH protein (p.Lys365Met). The lysine residue is moderately conserved and there is a moderate physicochemical difference between lysine and methionine. This variant is not present in population databases (ExAC no frequency). This variant has not been reported in the literature in individuals with MUTYH-related conditions. ClinVar contains an entry for this variant (Variation ID: 491998). Algorithms developed to predict the effect of missense changes on protein structure and function are either unavailable or do not agree on the potential impact of this missense change (SIFT: "Deleterious"; PolyPhen-2: "Possibly Damaging"; Align-GVGD: "Class C0"). In summary, the available evidence is currently insufficient to determine the role of this variant in disease. Therefore, it has been classified as a Variant of Uncertain Significance.

Literature cited by the submitters: PubMed 40738107 (cited by Ambry Genetics).

NM_001048174.2(MUTYH):c.1010A>T (p.Lys337Met)

Gene: MUTYH (mutY DNA glycosylase; minus strand). Cytogenetic location: 1p34.1.
Variant type: single nucleotide variant.
Coding change: c.1010A>T on transcript NM_001048174.2 (MANE Select); coding-DNA position 1010, A replaced by T.
Protein change: p.Lys337Met; replaces lysine 337 with methionine.
Molecular consequence: missense variant. On other transcripts: non-coding transcript variant (2).
Genome position (GRCh38, 1-based): chr1:45,331,753, T>A on the plus strand (A>T on the coding strand, the complement: MUTYH is on the minus strand). VCF-style: chr1-45331753-T-A. GRCh37 (hg19) VCF-style: chr1-45797425-T-A.
Other names: c.1010A>T, p.Lys337Met (NM_001048171.2, NM_001048173.2, NM_001293195.2); c.1013A>T, p.Lys338Met (NM_001048172.2); c.1094A>T, p.Lys365Met (NM_001128425.2); c.1055A>T, p.Lys352Met (NM_001293190.2); c.1043A>T, p.Lys348Met (NM_001293191.2); c.734A>T, p.Lys245Met (NM_001293192.2, NM_001293196.2); c.665A>T, p.Lys222Met (NM_001350650.2, NM_001350651.2); c.1085A>T, p.Lys362Met (NM_012222.3); short protein forms K365M, K245M, K348M, K337M, K338M, K352M, K222M, K362M.
Identifiers: ClinVar variation 491998 (VCV000491998.20), dbSNP rs1553126588, ClinGen allele CA340133589.